The following is an entry in ClinVar:

NM_015450.3(POT1):c.1755G>A (p.Met585Ile)

Gene: POT1 (protection of telomeres 1; minus strand). Cytogenetic location: 7q31.33.
Variant type: single nucleotide variant.
Coding change: c.1755G>A on transcript NM_015450.3 (MANE Select); coding-DNA position 1755, G replaced by A.
Protein change: p.Met585Ile; replaces methionine 585 with isoleucine.
Molecular consequence: missense variant. On other transcripts: non-coding transcript variant (3).
Genome position (GRCh38, 1-based): chr7:124,825,289, C>T on the plus strand (G>A on the coding strand, the complement: POT1 is on the minus strand). VCF-style: chr7-124825289-C-T. GRCh37 (hg19) VCF-style: chr7-124465343-C-T.
Other names: c.1362G>A, p.Met454Ile (NM_001042594.2); short protein forms M454I, M585I.
Identifiers: ClinVar variation 1779466 (VCV001779466.7), dbSNP rs1794602607, ClinGen allele CA369062249.

ClinVar aggregate classification (germline): Uncertain significance. Review status: criteria provided, multiple submitters, no conflicts (2 of 4 stars). 2 submissions from 2 submitters: Uncertain significance (2). Last evaluated 2022-08-18.

Conditions:
Tumor predisposition syndrome 3 (TPDS3). Also called: Glioma susceptibility 9; LONG TELOMERE SYNDROME, POT1-RELATED; POT1 Tumor Predisposition; Melanoma, cutaneous malignant, susceptibility to, 10. Identifiers: Orphanet 618, MedGen C4014476, MONDO:0014368, OMIM 615848.
Hereditary cancer-predisposing syndrome. Also called: Tumor predisposition; Neoplastic Syndromes, Hereditary; Hereditary Cancer Syndrome; Hereditary neoplastic syndrome. Identifiers: Orphanet 140162, MedGen C0027672, MeSH D009386, MONDO:0015356.

Submissions (2):

Labcorp Genetics (formerly Invitae), Labcorp
Classification: Uncertain significance for Tumor predisposition syndrome 3. Last evaluated: 2022-08-18. Review status: criteria provided, single submitter. Criteria: Invitae Variant Classification Sherloc (09022015). Collection method: clinical testing. Allele origin: germline.
Comment: This variant has not been reported in the literature in individuals affected with POT1-related conditions. This sequence change replaces methionine, which is neutral and non-polar, with isoleucine, which is neutral and non-polar, at codon 585 of the POT1 protein (p.Met585Ile). This variant is not present in population databases (gnomAD no frequency). Algorithms developed to predict the effect of missense changes on protein structure and function (SIFT, PolyPhen-2, Align-GVGD) all suggest that this variant is likely to be tolerated. In summary, the available evidence is currently insufficient to determine the role of this variant in disease. Therefore, it has been classified as a Variant of Uncertain Significance.

Ambry Genetics
Classification: Uncertain significance for Hereditary cancer-predisposing syndrome. Last evaluated: 2020-07-08. Review status: criteria provided, single submitter. Criteria: Ambry Variant Classification Scheme 2023. Collection method: clinical testing. Allele origin: germline.
Comment: The p.M585I variant (also known as c.1755G>A), located in coding exon 14 of the POT1 gene, results from a G to A substitution at nucleotide position 1755. The methionine at codon 585 is replaced by isoleucine, an amino acid with highly similar properties. This amino acid position is not well conserved in available vertebrate species. In addition, this alteration is predicted to be tolerated by in silico analysis. Since supporting evidence is limited at this time, the clinical significance of this alteration remains unclear.